The following is an entry in ClinVar:

NM_001278064.2(GRM1):c.3554G>A (p.Arg1185Gln)

Gene: GRM1 (glutamate metabotropic receptor 1; plus strand). Cytogenetic location: 6q24.3.
Variant type: single nucleotide variant.
Coding change: c.3554G>A on transcript NM_001278064.2 (MANE Select); coding-DNA position 3554, G replaced by A.
Protein change: p.Arg1185Gln; replaces arginine 1185 with glutamine.
Molecular consequence: missense variant. On other transcripts: 3 prime UTR variant (3).
Genome position (GRCh38, 1-based): chr6:146,434,765, G>A. VCF-style: chr6-146434765-G-A. GRCh37 (hg19) VCF-style: chr6-146755901-G-A.
Other names: c.*918G>A (NM_001278065.2); c.*883G>A (NM_001278066.1); c.*792G>A (NM_001278067.1); short protein forms R1185Q.
Identifiers: ClinVar variation 995120 (VCV000995120.5), dbSNP rs557752501, ClinGen allele CA4037724.
Genomic context (GRCh38, chr6:146,434,765, plus strand): 5'-CCGTGTCCGAGTCGGTGCTCTGCACCCCTCCCAACGTATCCTACGCCTCTGTCATTCTGC[G>A]GGACTACAAGCAAAGCTCTTCCACCCTGTAAGGGGGAAGGGTCCACATAGAAAAGCAAGA-3'
Protein context (NP_001264993.1, residues 1175-1194): PNVSYASVIL[Arg1185Gln]DYKQSSSTL

ClinVar aggregate classification (germline): Uncertain significance. Review status: criteria provided, multiple submitters, no conflicts (2 of 4 stars). 2 submissions from 2 submitters: Uncertain significance (2). Last evaluated 2025-04-08.

Allele frequency attached by ClinVar (database versions not stated): gnomAD 0.00003; gnomAD exomes 0.00003; TOPMed 0.00003; ExAC 0.00004.
gnomAD v4.1: 57 of 1,599,556 alleles (0.0036%); highest among the groups gnomAD compares: South Asian, 0.0099%; no homozygotes.

Submissions (2):

Labcorp Genetics (formerly Invitae), Labcorp
Classification: Uncertain significance. Last evaluated: 2025-04-08. Review status: criteria provided, single submitter. Criteria: Invitae Variant Classification Sherloc (09022015). Collection method: clinical testing. Allele origin: germline.
Comment: This sequence change replaces arginine, which is basic and polar, with glutamine, which is neutral and polar, at codon 1185 of the GRM1 protein (p.Arg1185Gln). This variant is present in population databases (rs557752501, gnomAD 0.01%). This variant has not been reported in the literature in individuals affected with GRM1-related conditions. ClinVar contains an entry for this variant (Variation ID: 995120). An algorithm developed to predict the effect of missense changes on protein structure and function (PolyPhen-2) suggests that this variant is likely to be disruptive. In summary, the available evidence is currently insufficient to determine the role of this variant in disease. Therefore, it has been classified as a Variant of Uncertain Significance.

Athena Diagnostics
Classification: Uncertain significance. Last evaluated: 2020-02-28. Review status: criteria provided, single submitter. Criteria: Athena Diagnostics Criteria. Collection method: clinical testing. Allele origin: unknown.